The following is an entry in ClinVar:

ClinVar aggregate classification (germline): Uncertain significance. Review status: criteria provided, multiple submitters, no conflicts (2 of 4 stars). 2 submissions from 2 submitters: Uncertain significance (2). Last evaluated 2026-04-02.

Conditions:
Hereditary cancer-predisposing syndrome. Also called: Hereditary neoplastic syndrome; Tumor predisposition; Hereditary Cancer Syndrome; Neoplastic Syndromes, Hereditary. Identifiers: Orphanet 140162, MedGen C0027672, MeSH D009386, MONDO:0015356.

Submissions (2):

Ambry Genetics
Classification: Uncertain significance for Hereditary cancer-predisposing syndrome. Last evaluated: 2026-04-02. Review status: criteria provided, single submitter. Criteria: Ambry Variant Classification Scheme 2023. Collection method: clinical testing. Allele origin: germline.
Comment: The p.P142L variant (also known as c.425C>T), located in coding exon 6 of the POLE gene, results from a C to T substitution at nucleotide position 425. The proline at codon 142 is replaced by leucine, an amino acid with similar properties. This amino acid position is conserved. In addition, this alteration is predicted to be tolerated by in silico analysis. Based on the available evidence, the clinical significance of this variant remains unclear.

Labcorp Genetics (formerly Invitae), Labcorp
Classification: Uncertain significance. Last evaluated: 2024-07-11. Review status: criteria provided, single submitter. Criteria: Invitae Variant Classification Sherloc (09022015). Collection method: clinical testing. Allele origin: germline.
Comment: This sequence change replaces proline, which is neutral and non-polar, with leucine, which is neutral and non-polar, at codon 142 of the POLE protein (p.Pro142Leu). This variant is not present in population databases (gnomAD no frequency). This variant has not been reported in the literature in individuals affected with POLE-related conditions. An algorithm developed to predict the effect of missense changes on protein structure and function (PolyPhen-2) suggests that this variant is likely to be tolerated. In summary, the available evidence is currently insufficient to determine the role of this variant in disease. Therefore, it has been classified as a Variant of Uncertain Significance.

NM_006231.4(POLE):c.425C>T (p.Pro142Leu)

Gene: POLE (DNA polymerase epsilon, catalytic subunit; minus strand). Cytogenetic location: 12q24.33.
Variant type: single nucleotide variant.
Coding change: c.425C>T on transcript NM_006231.4 (MANE Select); coding-DNA position 425, C replaced by T.
Protein change: p.Pro142Leu; replaces proline 142 with leucine.
Molecular consequence: missense variant.
Genome position (GRCh38, 1-based): chr12:132,679,650, G>A on the plus strand (C>T on the coding strand, the complement: POLE is on the minus strand). VCF-style: chr12-132679650-G-A. GRCh37 (hg19) VCF-style: chr12-133256236-G-A.
Other names: c.425C>T (NM_006231.2); short protein forms P142L.
Identifiers: ClinVar variation 3659213 (VCV003659213.3).